The following is an entry in ClinVar:

ClinVar aggregate classification (germline): Uncertain significance. Review status: criteria provided, multiple submitters, no conflicts (2 of 4 stars). 2 submissions from 2 submitters: Uncertain significance (2). Last evaluated 2024-04-16.

Conditions:
DIAPH1-related disorder. Also called: DIAPH1-related condition.
Progressive microcephaly-seizures-cortical blindness-developmental delay syndrome. Also called: Seizures, cortical blindness, and microcephaly syndrome. Identifiers: Orphanet 477814, MedGen C5567650, MONDO:0014714, OMIM 616632.
Autosomal dominant nonsyndromic hearing loss 1. Also called: KONIGSMARK SYNDROME; DEAFNESS, AUTOSOMAL DOMINANT 1, WITH OR WITHOUT THROMBOCYTOPENIA. Identifiers: Orphanet 90635, MedGen C1852282, MONDO:0007424, OMIM 124900.

Allele frequency attached by ClinVar (database versions not stated): gnomAD exomes below 0.00001.
gnomAD v4.1: 4 of 1,595,202 alleles (0.00025%); highest among the groups gnomAD compares: Non-Finnish European, 0.00034%; no homozygotes.

Submissions (2):

Labcorp Genetics (formerly Invitae), Labcorp
Classification: Uncertain significance for Progressive microcephaly-seizures-cortical blindness-developmental delay syndrome; Autosomal dominant nonsyndromic hearing loss 1. Last evaluated: 2024-04-16. Review status: criteria provided, single submitter. Criteria: Invitae Variant Classification Sherloc (09022015). Collection method: clinical testing. Allele origin: germline.
Comment: This sequence change replaces proline, which is neutral and non-polar, with alanine, which is neutral and non-polar, at codon 715 of the DIAPH1 protein (p.Pro715Ala). This variant is not present in population databases (gnomAD no frequency). This variant has not been reported in the literature in individuals affected with DIAPH1-related conditions. ClinVar contains an entry for this variant (Variation ID: 2633107). Experimental studies and prediction algorithms are not available or were not evaluated, and the functional significance of this variant is currently unknown. In summary, the available evidence is currently insufficient to determine the role of this variant in disease. Therefore, it has been classified as a Variant of Uncertain Significance.

PreventionGenetics, part of Exact Sciences
Classification: Uncertain significance for DIAPH1-related condition. Last evaluated: 2023-05-11. Review status: criteria provided, single submitter. Criteria: ACMG Guidelines, 2015. Collection method: clinical testing. Allele origin: germline.
Comment: The DIAPH1 c.2143C>G variant is predicted to result in the amino acid substitution p.Pro715Ala. To our knowledge, this variant has not been reported in the literature or in a large population database, indicating this variant is rare. At this time, the clinical significance of this variant is uncertain due to the absence of conclusive functional and genetic evidence.

NM_005219.5(DIAPH1):c.2143C>G (p.Pro715Ala)

Gene: DIAPH1 (diaphanous related formin 1; minus strand). Cytogenetic location: 5q31.3.
Variant type: single nucleotide variant.
Coding change: c.2143C>G on transcript NM_005219.5 (MANE Select); coding-DNA position 2143, C replaced by G.
Protein change: p.Pro715Ala; replaces proline 715 with alanine.
Molecular consequence: missense variant.
Genome position (GRCh38, 1-based): chr5:141,573,707, G>C on the plus strand (C>G on the coding strand, the complement: DIAPH1 is on the minus strand). VCF-style: chr5-141573707-G-C. GRCh37 (hg19) VCF-style: chr5-140953274-G-C.
Other names: c.2116C>G, p.Pro706Ala (NM_001079812.3); c.2143C>G, p.Pro715Ala (NM_001314007.2); short protein forms P706A, P715A.
Identifiers: ClinVar variation 2633107 (VCV002633107.3), dbSNP rs2513739416, ClinGen allele CA361517805.